The following is an entry in ClinVar:

ClinVar aggregate classification (germline): Uncertain significance (1 of 4 stars; one submission).

Conditions:
Autosomal recessive limb-girdle muscular dystrophy type 2L (LGMDR12). Also called: Limb-girdle muscular dystrophy, type 2L; MUSCULAR DYSTROPHY, LIMB-GIRDLE, AUTOSOMAL RECESSIVE 12; Limb-Girdle Muscular Dystrophy R12 Anoctamin-5-Related (LGMD-R12). Identifiers: Orphanet 206549, MedGen C1969785, MONDO:0012652, OMIM 611307.
Gnathodiaphyseal dysplasia (GDD). Also called: OSTEOGENESIS IMPERFECTA WITH UNUSUAL SKELETAL LESIONS; GNATHODIAPHYSEAL SCLEROSIS. Identifiers: Orphanet 53697, MedGen C1833736, MONDO:0008151, OMIM 166260.

Allele frequency attached by ClinVar (database versions not stated): gnomAD exomes below 0.00001.
gnomAD v4.1: 1 of 1,614,186 alleles (0.000062%); highest among the groups gnomAD compares: Non-Finnish European, 0.000085%; no homozygotes.

Submission:

Labcorp Genetics (formerly Invitae), Labcorp
Classification: Uncertain significance for Autosomal recessive limb-girdle muscular dystrophy type 2L; Gnathodiaphyseal dysplasia. Last evaluated: 2022-02-03. Review status: criteria provided, single submitter. Criteria: Invitae Variant Classification Sherloc (09022015). Collection method: clinical testing. Allele origin: germline.
Comment: In summary, the available evidence is currently insufficient to determine the role of this variant in disease. Therefore, it has been classified as a Variant of Uncertain Significance. Advanced modeling of protein sequence and biophysical properties (such as structural, functional, and spatial information, amino acid conservation, physicochemical variation, residue mobility, and thermodynamic stability) performed at Invitae indicates that this missense variant is expected to disrupt ANO5 protein function. ClinVar contains an entry for this variant (Variation ID: 1039301). This variant has not been reported in the literature in individuals affected with ANO5-related conditions. This variant is not present in population databases (gnomAD no frequency). This sequence change replaces glutamine, which is neutral and polar, with leucine, which is neutral and non-polar, at codon 657 of the ANO5 protein (p.Gln657Leu).

NM_213599.3(ANO5):c.1970A>T (p.Gln657Leu)

Gene: ANO5 (anoctamin 5; plus strand). Cytogenetic location: 11p14.3.
Variant type: single nucleotide variant.
Coding change: c.1970A>T on transcript NM_213599.3 (MANE Select); coding-DNA position 1970, A replaced by T.
Protein change: p.Gln657Leu; replaces glutamine 657 with leucine.
Molecular consequence: missense variant.
Genome position (GRCh38, 1-based): chr11:22,270,383, A>T. VCF-style: chr11-22270383-A-T. GRCh37 (hg19) VCF-style: chr11-22291929-A-T.
Other names: c.1967A>T, p.Gln656Leu (NM_001142649.2); short protein forms Q657L, Q656L.
Identifiers: ClinVar variation 1039301 (VCV001039301.9), dbSNP rs1854564032, ClinGen allele CA379923374.
Genomic context (GRCh38, chr11:22,270,383, plus strand): 5'-ATTGGTGGAGACGCCGAAAAGCTCGGACAAACTCTGAGAAGCTGTATAGTCGATGGGAGC[A>T]GGATCATGACCTTGAAAGTTTTGGACCCCTTGGGCTTTTCTATGAGTACTTAGAAACAGG-3'
Protein context (NP_998764.1, residues 647-667): NSEKLYSRWE[Gln657Leu]DHDLESFGPL